The following is an entry in ClinVar:

NM_001005361.3(DNM2):c.1284T>C (p.Val428=)

Gene: DNM2 (dynamin 2; plus strand). Cytogenetic location: 19p13.2.
Variant type: single nucleotide variant.
Coding change: c.1284T>C on transcript NM_001005361.3 (MANE Select); coding-DNA position 1284, T replaced by C.
Protein change: p.Val428=; no amino-acid change (valine 428 retained).
Molecular consequence: synonymous variant. On other transcripts: intron variant (3).
Genome position (GRCh38, 1-based): chr19:10,797,467, T>C. VCF-style: chr19-10797467-T-C. GRCh37 (hg19) VCF-style: chr19-10908143-T-C.
Other names: c.1284T>C, p.Val428= (NM_001005362.3); c.1336-1019T>C (NM_001005360.3, NM_001190716.2, NM_004945.4).
Identifiers: ClinVar variation 5039833 (VCV005039833.1).

ClinVar aggregate classification (germline): Likely benign (1 of 4 stars; one submission).

gnomAD v4.1: 1 of 1,491,270 alleles (0.000067%); highest among the groups gnomAD compares: South Asian, 0.0012%; no homozygotes.

Submission:

CeGaT Center for Human Genetics Tuebingen
Classification: Likely benign. Last evaluated: 2026-07-01. Review status: criteria provided, single submitter. Criteria: CeGaT Center For Human Genetics Tuebingen Variant Classification Criteria Version 2. Collection method: clinical testing. Allele origin: germline. Affected: yes. Observed: 2 variant alleles.
Comment: DNM2: BP4, BP7